The following is an entry in ClinVar:

NC_000017.11:g.63918895A>C

Genes: GH-LCR (growth hormone locus control region; plus strand), GH1 (growth hormone 1; minus strand). Cytogenetic location: 17q23.3.
Variant type: single nucleotide variant.
Genome position: GRCh38 VCF-style: chr17-63918895-A-C. GRCh37 (hg19) VCF-style: chr17-61996255-A-C.
Identifiers: ClinVar variation 1296532 (VCV001296532.4), dbSNP rs2005172, ClinGen allele CA14383687.

ClinVar aggregate classification (germline): Benign. Review status: criteria provided, multiple submitters, no conflicts (2 of 4 stars). 2 submissions from 2 submitters: Benign (2). Last evaluated 2018-11-12.

Allele frequency attached by ClinVar (database versions not stated): 1000 Genomes Project 0.54712; TOPMed 0.63095.

Submissions (2):

GeneDx
Classification: Benign. Last evaluated: 2018-11-12. Review status: criteria provided, single submitter. Criteria: GeneDx Variant Classification Process June 2021. Collection method: clinical testing. Allele origin: germline. Affected: yes.
Comment: This variant is associated with the following publications: (PMID: 18160466, 12655556)

Breakthrough Genomics
Classification: Benign. Review status: criteria provided, single submitter. Criteria: ACMG Guidelines, 2015. Collection method: not provided. Allele origin: germline. Inheritance: Autosomal recessive inheritance. Affected: yes.